The following is an entry in ClinVar:

NM_030777.4(SLC2A10):c.632C>T (p.Pro211Leu)

Gene: SLC2A10 (solute carrier family 2 member 10; plus strand). Cytogenetic location: 20q13.12.
Variant type: single nucleotide variant.
Coding change: c.632C>T on transcript NM_030777.4 (MANE Select); coding-DNA position 632, C replaced by T.
Protein change: p.Pro211Leu; replaces proline 211 with leucine.
Molecular consequence: missense variant.
Genome position (GRCh38, 1-based): chr20:46,725,668, C>T. VCF-style: chr20-46725668-C-T. GRCh37 (hg19) VCF-style: chr20-45354307-C-T.
Other names: short protein forms P211L.
Identifiers: ClinVar variation 898986 (VCV000898986.22), dbSNP rs151324893, ClinGen allele CA9892013.
Genomic context (GRCh38, chr20:46,725,668, plus strand): 5'-AGACTGCAACACACAAGGACCTCATCCCACTCCAGGGAGGTGAGGCCCCCAAGCTGGGCC[C>T]GGGGAGGCCACGGTACTCCTTTCTGGACCTCTTCAGGGCACGCGATAACATGCGAGGCCG-3'
Protein context (NP_110404.1, residues 201-221): LQGGEAPKLG[Pro211Leu]GRPRYSFLDL

ClinVar aggregate classification (germline): Conflicting classifications of pathogenicity. Review status: criteria provided, conflicting classifications (1 of 4 stars). 6 submissions from 6 submitters: Uncertain significance (4); Likely benign (2). Last evaluated 2024-07-16.

Conditions:
Arterial tortuosity syndrome (ATORS). Identifiers: Orphanet 3342, MedGen C1859726, MONDO:0008818, OMIM 208050.
Familial thoracic aortic aneurysm and aortic dissection (TAAD). Also called: Thoracic aortic aneurysms and dissections. Identifiers: Orphanet 91387, MedGen C4707243, MONDO:0019625.

Allele frequency attached by ClinVar (database versions not stated): TOPMed 0.00004; ESP Exome Variant Server 0.00008.
gnomAD v4.1: 70 of 1,613,908 alleles (0.0043%); highest among the groups gnomAD compares: African/African-American, 0.0093%; no homozygotes.

Submissions (6):

GeneDx
Classification: Uncertain significance. Last evaluated: 2024-07-16. Review status: criteria provided, single submitter. Criteria: GeneDx Variant Classification Process June 2021. Collection method: clinical testing. Allele origin: germline. Affected: yes.
Comment: In silico analysis indicates that this missense variant does not alter protein structure/function; Has not been previously published as pathogenic or benign to our knowledge

Labcorp Genetics (formerly Invitae), Labcorp
Classification: Uncertain significance for Arterial tortuosity syndrome. Last evaluated: 2024-01-29. Review status: criteria provided, single submitter. Criteria: Invitae Variant Classification Sherloc (09022015). Collection method: clinical testing. Allele origin: germline.
Comment: This sequence change replaces proline, which is neutral and non-polar, with leucine, which is neutral and non-polar, at codon 211 of the SLC2A10 protein (p.Pro211Leu). This variant is present in population databases (rs151324893, gnomAD 0.02%). This variant has not been reported in the literature in individuals affected with SLC2A10-related conditions. ClinVar contains an entry for this variant (Variation ID: 898986). Advanced modeling of protein sequence and biophysical properties (such as structural, functional, and spatial information, amino acid conservation, physicochemical variation, residue mobility, and thermodynamic stability) performed at Invitae indicates that this missense variant is not expected to disrupt SLC2A10 protein function with a negative predictive value of 95%. In summary, the available evidence is currently insufficient to determine the role of this variant in disease. Therefore, it has been classified as a Variant of Uncertain Significance.

Blueprint Genetics
Classification: Likely benign. Last evaluated: 2021-08-18. Review status: criteria provided, single submitter. Criteria: ACMG Guidelines, 2015. Collection method: clinical testing. Allele origin: germline.

ARUP Laboratories, Molecular Genetics and Genomics, ARUP Laboratories
Classification: Uncertain significance for Arterial tortuosity syndrome. Last evaluated: 2020-01-16. Review status: criteria provided, single submitter. Criteria: ARUP Molecular Germline Variant Investigation Process. Collection method: clinical testing. Allele origin: germline.

Ambry Genetics
Classification: Likely benign for Familial thoracic aortic aneurysm and aortic dissection. Last evaluated: 2018-06-22. Review status: criteria provided, single submitter. Criteria: Ambry Variant Classification Scheme 2023. Collection method: clinical testing. Allele origin: germline.

Illumina Laboratory Services, Illumina
Classification: Uncertain significance for Arterial tortuosity syndrome. Last evaluated: 2018-01-12. Review status: criteria provided, single submitter. Criteria: ICSL Variant Classification Criteria 13 December 2019. Collection method: clinical testing. Allele origin: germline.